The following is an entry in ClinVar:

ClinVar aggregate classification (germline): Likely pathogenic (1 of 4 stars; one submission).

Conditions:
Mitochondrial complex I deficiency. Also called: NADH:Q(1) OXIDOREDUCTASE DEFICIENCY. Identifiers: Orphanet 2609, MedGen C1838979, MeSH C537475, MONDO:0100133.

Submission:

Natera, Inc.
Classification: Likely pathogenic for Mitochondrial complex I deficiency. Last evaluated: 2025-06-26. Review status: criteria provided, single submitter. Criteria: Natera Variant Classification Schema (03/2026). Collection method: clinical testing. Allele origin: germline.
Comment: The c.3G>T variant in NDUFAF5 is predicted to result in start loss due to disruption of the initiator methionine. This variant is expected to result in nonsense mediated decay, truncation, or a dysfunctional protein product. This variant is rare in the general population with a frequency below the threshold expected for the associated phenotype(s). Given the available evidence, this variant is classified as Likely Pathogenic.

NM_024120.5(NDUFAF5):c.3G>T (p.Met1Ile)

Genes: NDUFAF5 (NADH:ubiquinone oxidoreductase complex assembly factor 5; plus strand), LOC130065433 (ATAC-STARR-seq lymphoblastoid active region 17552; plus strand). Cytogenetic location: 20p12.1.
Variant type: single nucleotide variant.
Coding change: c.3G>T on transcript NM_024120.5 (MANE Select); coding-DNA position 3, G replaced by T.
Protein change: p.Met1Ile; changes the start codon (methionine 1).
Molecular consequence: missense variant, initiator codon variant. On other transcripts: 5 prime UTR variant (3), non-coding transcript variant (7).
Genome position (GRCh38, 1-based): chr20:13,785,071, G>T. VCF-style: chr20-13785071-G-T. GRCh37 (hg19) VCF-style: chr20-13765717-G-T.
Other names: c.3G>T, p.Met1Ile (NM_001039375.3, NM_001352408.2); c.-365G>T (NM_001352403.2); c.-579G>T (NM_001352406.2); c.-693G>T (NM_001352407.2); short protein forms M1I.
Identifiers: ClinVar variation 4816125 (VCV004816125.1).